The following is an entry in ClinVar:

NM_000091.5(COL4A3):c.637G>C (p.Gly213Arg)

Genes: COL4A3 (collagen type IV alpha 3 chain; plus strand), MFF-DT (MFF divergent transcript; minus strand). Cytogenetic location: 2q36.3.
Variant type: single nucleotide variant.
Coding change: c.637G>C on transcript NM_000091.5 (MANE Select); coding-DNA position 637, G replaced by C.
Protein change: p.Gly213Arg; replaces glycine 213 with arginine.
Molecular consequence: missense variant.
Genome position (GRCh38, 1-based): chr2:227,251,363, G>C. VCF-style: chr2-227251363-G-C. GRCh37 (hg19) VCF-style: chr2-228116079-G-C.
Other names: short protein forms G213R.
Identifiers: ClinVar variation 3376827 (VCV003376827.1).

ClinVar aggregate classification (germline): Likely pathogenic (1 of 4 stars; one submission).

Conditions:
Alport syndrome. Also called: Hemorrhagic familial nephritis; Hemorrhagic hereditary nephritis; Congenital hereditary hematuria. Identifiers: Orphanet 63, MedGen C1567741, MONDO:0018965.

gnomAD v4.1: 5 of 1,612,952 alleles (0.00031%); highest among the groups gnomAD compares: Non-Finnish European, 0.00034%; no homozygotes.

Submission:

Victorian Clinical Genetics Services, Murdoch Childrens Research Institute
Classification: Likely pathogenic for Alport syndrome. Last evaluated: 2024-09-22. Review status: criteria provided, single submitter. Criteria: ACMG Guidelines, 2015. Collection method: clinical testing. Allele origin: germline. Affected: yes.
Comment: Based on the classification scheme VCGS_Germline_v1.3.4, this variant is classified as Likely pathogenic. Following criteria are met: 0103 - Dominant negative and loss of function are known mechanisms of disease in this gene and are associated with Alport syndrome, MONDO:0018965, COL4A3-related. Glycine changes that are part of a G-X-Y repeat in the triple helix of a collagen domain are known to have a dominant negative effect (PMID: 12028435). (I) 0108 - This gene is associated with both recessive (Alport syndrome 2 MIM#203780) and dominant disease (Alport syndrome 3 MIM#104200) (OMIM). (I) 0200 - Variant is predicted to result in a missense amino acid change from glycine to arginine. (I) 0251 - This variant is heterozygous. (I) 0301 - Variant is absent from gnomAD (both v2 and v3). (SP) 0309 - An alternative amino acid change at the same position has been observed in gnomAD (v3) (1 heterozygote, 0 homozygotes). (I) 0501 - Missense variant consistently predicted to be damaging by multiple in silico tools or highly conserved with a major amino acid change. (SP) 0601 - Variant is located in the well-established functional Gly-X-Y motif in the collagen triple helical domain (DECIPHER). (SP) 0705 - No comparable missense variants have previous evidence for pathogenicity. (I) 0803 - This variant has limited previous evidence of pathogenicity in an unrelated individual. An alternative nucleotide substitution at the same position, c.637G>A, resulting in the same amino acid change has been reported as pathogenic in one individual (ClinVar). (SP) 0905 - No published segregation evidence has been identified for this variant. (I) 1007 - No published functional evidence has been identified for this variant. (I) 1208 - Inheritance information for this variant is not currently available in this individual. (I) Legend: (SP) - Supporting pathogenic, (I) - Information, (SB) - Supporting benign

Literature cited by the submitters: PubMed 12028435.